The following is an entry in ClinVar:

ClinVar aggregate classification (germline): Conflicting classifications of pathogenicity. Review status: criteria provided, conflicting classifications (1 of 4 stars). 2 submissions from 2 submitters: Likely pathogenic (1); Uncertain significance (1). Last evaluated 2025-07-24.

Conditions:
Cystic fibrosis (CF). Also called: MUCOVISCIDOSIS. Identifiers: Orphanet 586, MedGen C0010674, MONDO:0009061, OMIM 219700. Disease mechanism: loss of function.

gnomAD v4.1: 2 of 1,613,888 alleles (0.00012%); highest among the groups gnomAD compares: African/African-American, 0.0013%; no homozygotes.

Submissions (2):

Women's Health and Genetics/Laboratory Corporation of America, LabCorp
Classification: Uncertain significance. Last evaluated: 2025-07-24. Review status: criteria provided, single submitter. Criteria: LabCorp Variant Classification Summary - May 2015. Collection method: clinical testing. Allele origin: germline.
Comment: Variant summary: CFTR c.14C>G (p.Pro5Arg) results in a non-conservative amino acid change in the encoded protein sequence. Algorithms developed to predict the effect of missense changes on protein structure and function all suggest that this variant is likely to be disruptive. The variant was absent in 251160 control chromosomes. The available data on variant occurrences in the general population are insufficient to allow any conclusion about variant significance. To our knowledge, no occurrence of c.14C>G in individuals affected with Cystic Fibrosis and no experimental evidence demonstrating its impact on protein function have been reported. ClinVar contains an entry for this variant (Variation ID: 2873814). Based on the evidence outlined above, the variant was classified as uncertain significance.

Labcorp Genetics (formerly Invitae), Labcorp
Classification: Likely pathogenic for Cystic fibrosis. Last evaluated: 2023-09-03. Review status: criteria provided, single submitter. Criteria: Invitae Variant Classification Sherloc (09022015). Collection method: clinical testing. Allele origin: germline.
Comment: This variant is not present in population databases (gnomAD no frequency). In summary, the currently available evidence indicates that the variant is pathogenic, but additional data are needed to prove that conclusively. Therefore, this variant has been classified as Likely Pathogenic. This variant disrupts the p.Pro5 amino acid residue in CFTR. Other variant(s) that disrupt this residue have been determined to be pathogenic (PMID: 17235394, 18306312, 19724303, 21520337, 21983161, 25910067, 29805046, 30046002). This suggests that this residue is clinically significant, and that variants that disrupt this residue are likely to be disease-causing. Advanced modeling of protein sequence and biophysical properties (such as structural, functional, and spatial information, amino acid conservation, physicochemical variation, residue mobility, and thermodynamic stability) performed at Invitae indicates that this missense variant is expected to disrupt CFTR protein function. This variant has not been reported in the literature in individuals affected with CFTR-related conditions. This sequence change replaces proline, which is neutral and non-polar, with arginine, which is basic and polar, at codon 5 of the CFTR protein (p.Pro5Arg).

Literature cited by the submitters: PubMed 17235394 (cited by Labcorp Genetics (formerly Invitae), Labcorp); PubMed 18306312 (cited by Labcorp Genetics (formerly Invitae), Labcorp); PubMed 19724303 (cited by Labcorp Genetics (formerly Invitae), Labcorp); PubMed 21520337 (cited by Labcorp Genetics (formerly Invitae), Labcorp); PubMed 21983161 (cited by Labcorp Genetics (formerly Invitae), Labcorp); PubMed 25910067 (cited by Labcorp Genetics (formerly Invitae), Labcorp); PubMed 29805046 (cited by Labcorp Genetics (formerly Invitae), Labcorp); PubMed 30046002 (cited by Labcorp Genetics (formerly Invitae), Labcorp).

NM_000492.4(CFTR):c.14C>G (p.Pro5Arg)

Gene: CFTR (CF transmembrane conductance regulator; plus strand). Cytogenetic location: 7q31.2.
Variant type: single nucleotide variant.
Coding change: c.14C>G on transcript NM_000492.4 (MANE Select); coding-DNA position 14, C replaced by G.
Protein change: p.Pro5Arg; replaces proline 5 with arginine.
Molecular consequence: missense variant.
Genome position (GRCh38, 1-based): chr7:117,480,108, C>G. VCF-style: chr7-117480108-C-G. GRCh37 (hg19) VCF-style: chr7-117120162-C-G.
Other names: short protein forms P5R.
Identifiers: ClinVar variation 2873814 (VCV002873814.4), dbSNP rs193922501, ClinGen allele CA368981180.